The following is an entry in ClinVar:

NM_002454.3(MTRR):c.1783C>T (p.His595Tyr)

Gene: MTRR (5-methyltetrahydrofolate-homocysteine methyltransferase reductase; plus strand). Cytogenetic location: 5p15.31.
Variant type: single nucleotide variant.
Coding change: c.1783C>T on transcript NM_002454.3 (MANE Select); coding-DNA position 1783, C replaced by T.
Protein change: p.His595Tyr; replaces histidine 595 with tyrosine.
Molecular consequence: missense variant. On other transcripts: non-coding transcript variant (14).
Genome position (GRCh38, 1-based): chr5:7,897,078, C>T. VCF-style: chr5-7897078-C-T. GRCh37 (hg19) VCF-style: chr5-7897191-C-T.
Other names: p.H622Y:CAT>TAT; p.His595Tyr; c.1783C>T, p.His595Tyr (NM_001364440.2, NM_001364441.2, NM_001364442.2 and 1 more transcripts); short protein forms H595Y.
Identifiers: ClinVar variation 138300 (VCV000138300.32), dbSNP rs10380, ClinGen allele CA170995.

ClinVar aggregate classification (germline): Benign/Likely benign. Review status: criteria provided, multiple submitters, no conflicts (2 of 4 stars). 10 submissions from 10 submitters: Benign (7); Likely benign (1). 2 of the submissions do not count toward it. Last evaluated 2026-02-04.

Conditions:
Disorders of Intracellular Cobalamin Metabolism. Identifiers: MedGen CN043592.
Gastrointestinal stromal tumor. Also called: Gastrointestinal stromal tumor, somatic; Gastrointestinal stroma tumor. Identifiers: Orphanet 44890, MedGen C0238198, MeSH D046152, MONDO:0011719, OMIM 606764, HP:0100723.
Methylcobalamin deficiency type cblE (HMAE). Also called: HOMOCYSTINURIA-MEGALOBLASTIC ANEMIA, cblE TYPE; VITAMIN B12-RESPONSIVE HOMOCYSTINURIA, cblE TYPE; HOMOCYSTINURIA-MEGALOBLASTIC ANEMIA, cblE COMPLEMENTATION TYPE. Identifiers: Orphanet 2169, Orphanet 622, MedGen C1856057, MONDO:0009354, OMIM 236270.

Allele frequency attached by ClinVar (database versions not stated): gnomAD exomes 0.11284 and 0.15681; ExAC 0.15090; ESP Exome Variant Server 0.17307; gnomAD 0.18006 and 0.18188; TOPMed 0.20320; 1000 Genomes Project 0.21945; 1000 Genomes Project 30x 0.22908.
gnomAD v4.1: 193,084 of 1,613,374 alleles (12%); highest among the groups gnomAD compares: African/African-American, 33%; 15,754 homozygotes.

Submissions (10):

Labcorp Genetics (formerly Invitae), Labcorp
Classification: Benign for Methylcobalamin deficiency type cblE. Last evaluated: 2026-02-04. Review status: criteria provided, single submitter. Criteria: Invitae Variant Classification Sherloc (09022015). Collection method: clinical testing. Allele origin: germline.

ARUP Laboratories, Molecular Genetics and Genomics, ARUP Laboratories
Classification: Benign. Last evaluated: 2025-06-03. Review status: criteria provided, single submitter. Criteria: ARUP Molecular Germline Variant Investigation Process 2024. Collection method: clinical testing. Allele origin: germline.

Mayo Clinic Laboratories, Mayo Clinic
Classification: Benign. Last evaluated: 2024-11-14. Review status: criteria provided, single submitter. Criteria: ACMG Guidelines, 2015. Collection method: clinical testing. Allele origin: germline. Observed: 28 variant alleles.
Comment: BA1, BP4

Women's Health and Genetics/Laboratory Corporation of America, LabCorp
Classification: Likely benign. Last evaluated: 2024-11-11. Review status: criteria provided, single submitter. Criteria: LabCorp Variant Classification Summary - May 2015. Collection method: clinical testing. Allele origin: germline.

Pars Genome Lab
Classification: Benign for Methylcobalamin deficiency type cblE. Last evaluated: 2021-06-19. Review status: criteria provided, single submitter. Criteria: ACMG Guidelines, 2015. Collection method: clinical testing. Allele origin: germline. Affected: no.

Illumina Laboratory Services, Illumina
Classification: Benign for Disorders of Intracellular Cobalamin Metabolism. Last evaluated: 2018-03-06. Review status: criteria provided, single submitter. Criteria: ICSL Variant Classification Criteria 13 December 2019. Collection method: clinical testing. Allele origin: germline.
Comment: This variant was observed in the ICSL laboratory as part of a predisposition screen in an ostensibly healthy population. It had not been previously curated by ICSL or reported in the Human Gene Mutation Database (HGMD: prior to June 1st, 2018), and was therefore a candidate for classification through an automated scoring system. Utilizing variant allele frequency, disease prevalence and penetrance estimates, and inheritance mode, an automated score was calculated to assess if this variant is too frequent to cause the disease. Based on the score and internal cut-off values, a variant classified as benign is not then subjected to further curation. The score for this variant resulted in a classification of benign for this disease.

GeneDx
Classification: Benign. Last evaluated: 2013-05-29. Review status: criteria provided, single submitter. Criteria: GeneDx Variant Classification (06012015). Collection method: clinical testing. Allele origin: germline. Affected: yes.
Comment: This variant is considered likely benign or benign based on one or more of the following criteria: it is a conservative change, it occurs at a poorly conserved position in the protein, it is predicted to be benign by multiple in silico algorithms, and/or has population frequency not consistent with disease.

Breakthrough Genomics
Classification: Benign. Review status: criteria provided, single submitter. Criteria: ACMG Guidelines, 2015. Collection method: not provided. Allele origin: germline. Inheritance: Autosomal recessive inheritance. Affected: yes.

Natera, Inc.
Classification: Benign for CblE complementation type homocystinuria-megaloblastic anemia due to defect in cobalamin metabolism. Last evaluated: 2020-09-16. Review status: no assertion criteria provided. Collection method: clinical testing. Allele origin: germline. Not counted in ClinVar's aggregate classification.

Department of Pharmacy and Biotechnology, University of Bologna
Classification: Uncertain significance for Gastrointestinal Stromal Tumors. Review status: no assertion criteria provided. Collection method: case-control. Allele origin: germline. Affected: yes. Observed: 9 variant alleles, 9 heterozygotes. Not counted in ClinVar's aggregate classification.

Literature cited by the submitters: PubMed 25227144 (cited by Department of Pharmacy and Biotechnology, University of Bologna).